The following is an entry in ClinVar:

NM_002661.5(PLCG2):c.479G>A (p.Ser160Asn)

Gene: PLCG2 (phospholipase C gamma 2; plus strand). Cytogenetic location: 16q23.3.
Variant type: single nucleotide variant.
Coding change: c.479G>A on transcript NM_002661.5 (MANE Select); coding-DNA position 479, G replaced by A.
Protein change: p.Ser160Asn; replaces serine 160 with asparagine.
Molecular consequence: missense variant.
Genome position (GRCh38, 1-based): chr16:81,859,163, G>A. VCF-style: chr16-81859163-G-A. GRCh37 (hg19) VCF-style: chr16-81892768-G-A.
Other names: c.479G>A, p.Ser160Asn (NM_001425749.1, NM_001425750.1, NM_001425751.1); short protein forms S160N.
Identifiers: ClinVar variation 3678085 (VCV003678085.2).

ClinVar aggregate classification (germline): Uncertain significance (1 of 4 stars; one submission).

Conditions:
Familial cold autoinflammatory syndrome 3 (FCAS3). Also called: ANTIBODY DEFICIENCY AND IMMUNE DYSREGULATION, PLCG2-ASSOCIATED; FAMILIAL ATYPICAL COLD URTICARIA. Identifiers: Orphanet 300359, MedGen C3280914, MONDO:0013766, OMIM 614468.

gnomAD v4.1: 1 of 1,586,706 alleles (0.000063%); highest among the groups gnomAD compares: South Asian, 0.0011%; no homozygotes.

Submission:

Labcorp Genetics (formerly Invitae), Labcorp
Classification: Uncertain significance for Familial cold autoinflammatory syndrome 3. Last evaluated: 2024-08-11. Review status: criteria provided, single submitter. Criteria: Invitae Variant Classification Sherloc (09022015). Collection method: clinical testing. Allele origin: germline.
Comment: This sequence change replaces serine, which is neutral and polar, with asparagine, which is neutral and polar, at codon 160 of the PLCG2 protein (p.Ser160Asn). This variant also falls at the last nucleotide of exon 5, which is part of the consensus splice site for this exon. This variant is not present in population databases (gnomAD no frequency). This variant has not been reported in the literature in individuals affected with PLCG2-related conditions. An algorithm developed to predict the effect of missense changes on protein structure and function (PolyPhen-2) suggests that this variant is likely to be disruptive. Variants that disrupt the consensus splice site are a relatively common cause of aberrant splicing (PMID: 17576681, 9536098). In summary, the available evidence is currently insufficient to determine the role of this variant in disease. Therefore, it has been classified as a Variant of Uncertain Significance.

Literature cited by the submitters: PubMed 17576681; PubMed 9536098.